The following is an entry in ClinVar:

ClinVar aggregate classification (germline): Pathogenic (1 of 4 stars; one submission).

Submission:

Labcorp Genetics (formerly Invitae), Labcorp
Classification: Pathogenic. Last evaluated: 2022-11-29. Review status: criteria provided, single submitter. Criteria: Invitae Variant Classification Sherloc (09022015). Collection method: clinical testing. Allele origin: germline.
Comment: For these reasons, this variant has been classified as Pathogenic. This variant has not been reported in the literature in individuals affected with UBE3B-related conditions. This variant is not present in population databases (gnomAD no frequency). This sequence change creates a premature translational stop signal (p.Ile892Lysfs*44) in the UBE3B gene. It is expected to result in an absent or disrupted protein product. Loss-of-function variants in UBE3B are known to be pathogenic (PMID: 23687348, 24615390).

Literature cited by the submitters: PubMed 23687348; PubMed 24615390.

NM_130466.4(UBE3B):c.2675_2678del (p.Ile892fs)

Gene: UBE3B (ubiquitin protein ligase E3B; plus strand). Cytogenetic location: 12q24.11.
Variant type: Deletion.
Coding change: c.2675_2678del on transcript NM_130466.4 (MANE Select); coding-DNA positions 2675 to 2678, 4 bases deleted (TAAA; older notation c.2675_2678delTAAA).
Protein change: p.Ile892fs; shifts the reading frame from isoleucine 892.
Molecular consequence: frameshift variant.
Genome position (GRCh38, 1-based): chr12:109,529,937-109,529,940, TAAA deleted; deleting any 4 consecutive bases within chr12:109,529,934-109,529,940 gives the same sequence; the c. name uses the placement nearest the transcript's 3' end. VCF-style (leftmost placement, unchanged base first): chr12-109529933-CAAAT-C. GRCh37 (hg19) VCF-style: chr12-109967738-CAAAT-C.
Other names: c.2675_2678del, p.Ile892fs (NM_183415.3); short protein forms I892fs.
Identifiers: ClinVar variation 2886463 (VCV002886463.3), dbSNP rs2548575169, ClinGen allele CA2620806459.
Genomic context (GRCh38, chr12:109,529,933, plus strand): 5'-TTCCTTGTTGGCAACAGAATTAGCTACATCCATCTGATGGCACATTTTCGAATGCACACT[CAAAT>C]AAAAAACCAAACAGCTGCCCTCATTAGCGGATTCCGTTCCATTATCAAACCCGAGTGGAT-3'